The following is an entry in ClinVar:

NM_000350.3(ABCA4):c.2239del (p.Leu747fs)

Gene: ABCA4 (ATP binding cassette subfamily A member 4; minus strand). Cytogenetic location: 1p22.1.
Variant type: Deletion.
Coding change: c.2239del on transcript NM_000350.3 (MANE Select); coding-DNA position 2239, one base deleted (C; older notation c.2239delC).
Protein change: p.Leu747fs; shifts the reading frame from leucine 747.
Molecular consequence: frameshift variant.
Genome position (GRCh38, 1-based): chr1:94,056,744, G deleted on the plus strand (C on the coding strand, the reverse complement: ABCA4 is on the minus strand). VCF-style (leftmost placement, unchanged base first): chr1-94056743-AG-A. GRCh37 (hg19) VCF-style: chr1-94522299-AG-A.
Other names: short protein forms L747fs.
Identifiers: ClinVar variation 1455202 (VCV001455202.7), dbSNP rs2101069863, ClinGen allele CA645372176.

ClinVar aggregate classification (germline): Pathogenic. Review status: criteria provided, multiple submitters, no conflicts (2 of 4 stars). 2 submissions from 2 submitters: Pathogenic (2). Last evaluated 2025-10-23.

Conditions:
ABCA4-related disorder. Also called: ABCA4-related disorders; ABCA4-related condition. Identifiers: MedGen CN239167.

Allele frequency attached by ClinVar (database versions not stated): gnomAD exomes below 0.00001.

Submissions (2):

Labcorp Genetics (formerly Invitae), Labcorp
Classification: Pathogenic. Last evaluated: 2025-10-23. Review status: criteria provided, single submitter. Criteria: Invitae Variant Classification Sherloc (09022015). Collection method: clinical testing. Allele origin: germline.
Comment: This sequence change creates a premature translational stop signal (p.Leu747Cysfs*40) in the ABCA4 gene. It is expected to result in an absent or disrupted protein product. Loss-of-function variants in ABCA4 are known to be pathogenic (PMID: 10958761, 24938718, 25312043, 26780318). This variant is not present in population databases (gnomAD no frequency). This premature translational stop signal has been observed in individual(s) with Stargardt disease (PMID: 23499370). ClinVar contains an entry for this variant (Variation ID: 1455202). For these reasons, this variant has been classified as Pathogenic.

Blueprint Genetics
Classification: Pathogenic for ABCA4-related disorders. Last evaluated: 2022-08-17. Review status: criteria provided, single submitter. Criteria: ACMG Guidelines, 2015. Collection method: clinical testing. Allele origin: germline. Affected: yes. Observed: 5 variant alleles.

Literature cited by the submitters: PubMed 10958761 (cited by Labcorp Genetics (formerly Invitae), Labcorp); PubMed 24938718 (cited by Labcorp Genetics (formerly Invitae), Labcorp); PubMed 25312043 (cited by Labcorp Genetics (formerly Invitae), Labcorp); PubMed 26780318 (cited by Labcorp Genetics (formerly Invitae), Labcorp); PubMed 23499370 (cited by Labcorp Genetics (formerly Invitae), Labcorp).